The following is an entry in ClinVar:

NM_001171613.2(PREPL):c.1240A>T (p.Ile414Leu)

Gene: PREPL (prolyl endopeptidase like; minus strand). Cytogenetic location: 2p21.
Variant type: single nucleotide variant.
Coding change: c.1240A>T on transcript NM_001171613.2 (MANE Select); coding-DNA position 1240, A replaced by T.
Protein change: p.Ile414Leu; replaces isoleucine 414 with leucine.
Molecular consequence: missense variant.
Genome position (GRCh38, 1-based): chr2:44,328,959, T>A on the plus strand (A>T on the coding strand, the complement: PREPL is on the minus strand). VCF-style: chr2-44328959-T-A. GRCh37 (hg19) VCF-style: chr2-44556098-T-A.
Other names: c.1321A>T, p.Ile441Leu (NM_001042385.2); c.1309A>T, p.Ile437Leu (NM_001042386.2); c.1507A>T, p.Ile503Leu (NM_001171603.1, NM_001171606.2, NM_001374275.1 and 2 more transcripts); c.1240A>T, p.Ile414Leu (NM_001171617.1, NM_001374277.1); short protein forms I441L, I503L, I414L, I437L.
Identifiers: ClinVar variation 1483083 (VCV001483083.8), dbSNP rs2103785706, ClinGen allele CA346690401.

ClinVar aggregate classification (germline): Uncertain significance (1 of 4 stars; one submission).

Conditions:
Myasthenic syndrome, congenital, 22 (CMS22). Also called: PREPL DEFICIENCY. Identifiers: MedGen C4479088, MONDO:0044299, OMIM 616224.

Allele frequency attached by ClinVar (database versions not stated): gnomAD exomes below 0.00001.
gnomAD v4.1: 1 of 1,613,806 alleles (0.000062%); highest among the groups gnomAD compares: Non-Finnish European, 0.000085%; no homozygotes.

Submission:

Labcorp Genetics (formerly Invitae), Labcorp
Classification: Uncertain significance for Myasthenic syndrome, congenital, 22. Last evaluated: 2021-07-26. Review status: criteria provided, single submitter. Criteria: Invitae Variant Classification Sherloc (09022015). Collection method: clinical testing. Allele origin: germline.
Comment: This variant has not been reported in the literature in individuals affected with PREPL-related conditions. Algorithms developed to predict the effect of missense changes on protein structure and function (SIFT, PolyPhen-2, Align-GVGD) all suggest that this variant is likely to be tolerated. Algorithms developed to predict the effect of sequence changes on RNA splicing suggest that this variant may create or strengthen a splice site. In summary, the available evidence is currently insufficient to determine the role of this variant in disease. Therefore, it has been classified as a Variant of Uncertain Significance. This variant is not present in population databases (ExAC no frequency). This sequence change replaces isoleucine with leucine at codon 503 of the PREPL protein (p.Ile503Leu). The isoleucine residue is highly conserved and there is a small physicochemical difference between isoleucine and leucine.